The following is an entry in ClinVar:

NM_000222.3(KIT):c.780T>C (p.Asn260=)

Gene: KIT (KIT proto-oncogene, receptor tyrosine kinase; plus strand). Cytogenetic location: 4q12.
Variant type: single nucleotide variant.
Coding change: c.780T>C on transcript NM_000222.3 (MANE Select); coding-DNA position 780, T replaced by C.
Protein change: p.Asn260=; no amino-acid change (asparagine 260 retained).
Molecular consequence: synonymous variant.
Genome position (GRCh38, 1-based): chr4:54,703,747, T>C. VCF-style: chr4-54703747-T-C. GRCh37 (hg19) VCF-style: chr4-55569913-T-C.
Other names: c.780T>C, p.Asn260= (NM_001093772.2, NM_001385285.1, NM_001385286.1); c.783T>C, p.Asn261= (NM_001385284.1, NM_001385288.1, NM_001385290.1 and 1 more transcripts).
Identifiers: ClinVar variation 765557 (VCV000765557.18), dbSNP rs1192922107, ClinGen allele CA439288415.

ClinVar aggregate classification (germline): Likely benign. Review status: criteria provided, multiple submitters, no conflicts (2 of 4 stars). 3 submissions from 3 submitters: Likely benign (3). Last evaluated 2026-03-01.

Conditions:
Hereditary cancer-predisposing syndrome. Also called: Hereditary Cancer Syndrome; Tumor predisposition; Hereditary neoplastic syndrome; Neoplastic Syndromes, Hereditary. Identifiers: Orphanet 140162, MedGen C0027672, MeSH D009386, MONDO:0015356.
Gastrointestinal stromal tumor. Also called: Gastrointestinal stroma tumor; Gastrointestinal stromal tumor, somatic. Identifiers: Orphanet 44890, MedGen C0238198, MeSH D046152, MONDO:0011719, OMIM 606764, HP:0100723.

Allele frequency attached by ClinVar (database versions not stated): gnomAD exomes below 0.00001.
gnomAD v4.1: 2 of 1,613,866 alleles (0.00012%); highest among the groups gnomAD compares: East Asian, 0.0045%; no homozygotes.

Submissions (3):

CeGaT Center for Human Genetics Tuebingen
Classification: Likely benign. Last evaluated: 2026-03-01. Review status: criteria provided, single submitter. Criteria: CeGaT Center For Human Genetics Tuebingen Variant Classification Criteria Version 2. Collection method: clinical testing. Allele origin: germline. Affected: yes. Observed: 1 variant allele.
Comment: KIT: BP4, BP7

Ambry Genetics
Classification: Likely benign for Hereditary cancer-predisposing syndrome. Last evaluated: 2019-10-18. Review status: criteria provided, single submitter. Criteria: Ambry Variant Classification Scheme 2023. Collection method: clinical testing. Allele origin: germline.

Labcorp Genetics (formerly Invitae), Labcorp
Classification: Likely benign for Gastrointestinal stromal tumor. Last evaluated: 2018-08-12. Review status: criteria provided, single submitter. Criteria: Invitae Variant Classification Sherloc (09022015). Collection method: clinical testing. Allele origin: germline.